The following is an entry in ClinVar:

NM_001009944.3(PKD1):c.11958_11972dup (p.Ala3992_Ser3993insArgGlyLeuAlaAla)

Gene: PKD1 (polycystin 1, transient receptor potential channel interacting; minus strand). Cytogenetic location: 16p13.3.
Variant type: Duplication.
Coding change: c.11958_11972dup on transcript NM_001009944.3 (MANE Select); coding-DNA positions 11958 to 11972, 15 bases duplicated (AGCCCGTGGCCTGGC).
Protein change: p.Ala3992_Ser3993insArgGlyLeuAlaAla.
Molecular consequence: inframe insertion.
Genome position (GRCh38, 1-based): chr16:2,090,915-2,090,929, GCCAGGCCACGGGCT duplicated on the plus strand (AGCCCGTGGCCTGGC on the coding strand, the reverse complement: PKD1 is on the minus strand); duplicating any 15 consecutive bases within chr16:2,090,915-2,090,931 gives the same sequence; the c. name uses the placement nearest the transcript's 3' end. VCF-style (leftmost placement, unchanged base first): chr16-2090914-C-CGCCAGGCCACGGGCT. GRCh37 (hg19) VCF-style: chr16-2140915-C-CGCCAGGCCACGGGCT.
Other names: c.11955_11969dup, p.Ala3991_Ser3992insArgGlyLeuAlaAla (NM_000296.4).
Identifiers: ClinVar variation 5038102 (VCV005038102.1).

ClinVar aggregate classification (germline): Uncertain significance (1 of 4 stars; one submission).

Conditions:
Polycystic kidney disease, adult type (PKD1). Also called: Polycystic Kidney Disease 1, Autosomal Dominant; POLYCYSTIC KIDNEY DISEASE, ADULT, TYPE I; Polycystic kidney disease 1; Polycystic kidney disease 1, severe; POLYCYSTIC KIDNEY DISEASE 1 WITH OR WITHOUT POLYCYSTIC LIVER DISEASE; Polycystic Kidney, Autosomal Dominant. Identifiers: MedGen C3149841, MONDO:0008263, OMIM 173900.

Submission:

MVZ Medizinische Genetik Mainz
Classification: Uncertain significance for Polycystic kidney disease, adult type. Last evaluated: 2025-12-16. Review status: criteria provided, single submitter. Criteria: UK Practice Guidelines For Variant Classification V4 01 2020. Collection method: clinical testing. Allele origin: germline. Inheritance: Autosomal dominant inheritance. Affected: yes. Observed: 1 variant allele.
Comment: ACMG Criteria: PM4,PM2_SUP,PP4